The following is an entry in ClinVar:

ClinVar aggregate classification (germline): Uncertain significance (1 of 4 stars; one submission).

Allele frequency attached by ClinVar (database versions not stated): gnomAD exomes below 0.00001.
gnomAD v4.1: 1 of 1,613,686 alleles (0.000062%); highest among the groups gnomAD compares: Admixed American, 0.0017%; no homozygotes.

Submission:

Labcorp Genetics (formerly Invitae), Labcorp
Classification: Uncertain significance. Last evaluated: 2023-01-22. Review status: criteria provided, single submitter. Criteria: Invitae Variant Classification Sherloc (09022015). Collection method: clinical testing. Allele origin: germline.
Comment: This sequence change replaces methionine, which is neutral and non-polar, with threonine, which is neutral and polar, at codon 2804 of the DNAH9 protein (p.Met2804Thr). This variant is not present in population databases (gnomAD no frequency). In summary, the available evidence is currently insufficient to determine the role of this variant in disease. Therefore, it has been classified as a Variant of Uncertain Significance. Advanced modeling of protein sequence and biophysical properties (such as structural, functional, and spatial information, amino acid conservation, physicochemical variation, residue mobility, and thermodynamic stability) has been performed at Invitae for this missense variant, however the output from this modeling did not meet the statistical confidence thresholds required to predict the impact of this variant on DNAH9 protein function. This variant has not been reported in the literature in individuals affected with DNAH9-related conditions.

NM_001372.4(DNAH9):c.8411T>C (p.Met2804Thr)

Gene: DNAH9 (dynein axonemal heavy chain 9; plus strand). Cytogenetic location: 17p12.
Variant type: single nucleotide variant.
Coding change: c.8411T>C on transcript NM_001372.4 (MANE Select); coding-DNA position 8411, T replaced by C.
Protein change: p.Met2804Thr; replaces methionine 2804 with threonine.
Molecular consequence: missense variant.
Genome position (GRCh38, 1-based): chr17:11,797,784, T>C. VCF-style: chr17-11797784-T-C. GRCh37 (hg19) VCF-style: chr17-11701101-T-C.
Other names: short protein forms M2804T.
Identifiers: ClinVar variation 3009459 (VCV003009459.3), dbSNP rs2544666090, ClinGen allele CA398196614.
Genomic context (GRCh38, chr17:11,797,784, plus strand): 5'-CCTTGGAGAACCACAATGAAGTCAACACAGTGATGGACCTAGTTCTCTTTGAGGATGCCA[T>C]GCGCCATGTGTAAGTGTGCTTCTCCTCTTCCTTTTCCTCAGTTGCTTCCTCTTCCCAATG-3'
Protein context (NP_001363.2, residues 2794-2814): VMDLVLFEDA[Met2804Thr]RHVCHINRIL